The following is an entry in ClinVar:

NM_001127222.2(CACNA1A):c.7206G>A (p.Pro2402=)

Gene: CACNA1A (calcium voltage-gated channel subunit alpha1 A; minus strand). Cytogenetic location: 19p13.13.
Variant type: single nucleotide variant.
Coding change: c.7206G>A on transcript NM_001127222.2 (MANE Select); coding-DNA position 7206, G replaced by A.
Protein change: p.Pro2402=; no amino-acid change (proline 2402 retained).
Molecular consequence: synonymous variant. On other transcripts: 3 prime UTR variant (3).
Genome position (GRCh38, 1-based): chr19:13,207,628, C>T on the plus strand (G>A on the coding strand, the complement: CACNA1A is on the minus strand). VCF-style: chr19-13207628-C-T. GRCh37 (hg19) VCF-style: chr19-13318442-C-T.
Other names: c.*418G>A (NM_000068.4, NM_001127221.2, NM_001174080.2); c.7224G>A, p.Pro2408= (NM_023035.3).
Identifiers: ClinVar variation 2682246 (VCV002682246.1), dbSNP rs2054614917, ClinGen allele CA505784826.
Genomic context (GRCh38, chr19:13,207,628, plus strand): 5'-GCCCGGGCCATCGGCCTCGTCGTAGTCGGAGCCCCGGTAGTAGCCATGGTGCCGGGGACC[C>T]GGGGGCCCCTCGGACACGTGCGGGCCAGATGCCGGCCACCGGGCCCCGCCGTGTCGACAG-3'
Protein context (NP_001120694.1, residues 2392-2412): ASGPHVSEGP[Pro2402=]GPRHHGYYRG

ClinVar aggregate classification (germline): Uncertain significance (1 of 4 stars; one submission).

Allele frequency attached by ClinVar (database versions not stated): TOPMed below 0.00001.
gnomAD v4.1: 7 of 1,477,796 alleles (0.00047%); highest among the groups gnomAD compares: South Asian, 0.0013%; no homozygotes.

Submission:

Women's Health and Genetics/Laboratory Corporation of America, LabCorp
Classification: Uncertain significance. Last evaluated: 2023-11-22. Review status: criteria provided, single submitter. Criteria: LabCorp Variant Classification Summary - May 2015. Collection method: clinical testing. Allele origin: germline.
Comment: Variant summary: CACNA1A c.*418G>A is located in the untranslated mRNA region downstream of the termination codon. The variant allele was found at a frequency of 5.3e-06 in 1326160 control chromosomes (gnomAD). The available data on variant occurrences in the general population are insufficient to allow any conclusion about variant significance. To our knowledge, no occurrence of c.*418G>A in individuals affected with Early Infantile Epileptic Encephalopathy or Episodic Ataxia and no experimental evidence demonstrating its impact on protein function have been reported. No submitters have cited clinical-significance assessments for this variant to ClinVar after 2014. Based on the evidence outlined above, the variant was classified as uncertain significance.